The following is an entry in ClinVar:

ClinVar aggregate classification (germline): Uncertain significance (1 of 4 stars; one submission).

Conditions:
Cardiovascular phenotype. Identifiers: MedGen CN230736.

Submission:

Ambry Genetics
Classification: Uncertain significance for Cardiovascular phenotype. Last evaluated: 2021-11-24. Review status: criteria provided, single submitter. Criteria: Ambry Variant Classification Scheme 2023. Collection method: clinical testing. Allele origin: germline.
Comment: The p.K1157T variant (also known as c.3470A>C), located in coding exon 9 of the AKAP9 gene, results from an A to C substitution at nucleotide position 3470. The lysine at codon 1157 is replaced by threonine, an amino acid with similar properties. This amino acid position is conserved. In addition, this alteration is predicted to be tolerated by in silico analysis. Since supporting evidence is limited at this time, the clinical significance of this alteration remains unclear.

NM_005751.5(AKAP9):c.3470A>C (p.Lys1157Thr)

Gene: AKAP9 (A-kinase anchoring protein 9; plus strand). Cytogenetic location: 7q21.2.
Variant type: single nucleotide variant.
Coding change: c.3470A>C on transcript NM_005751.5 (MANE Select); coding-DNA position 3470, A replaced by C.
Protein change: p.Lys1157Thr; replaces lysine 1157 with threonine.
Molecular consequence: missense variant.
Genome position (GRCh38, 1-based): chr7:92,012,580, A>C. VCF-style: chr7-92012580-A-C. GRCh37 (hg19) VCF-style: chr7-91641894-A-C.
Other names: c.3470A>C, p.Lys1157Thr (NM_147185.3); short protein forms K1157T.
Identifiers: ClinVar variation 1731731 (VCV001731731.2), dbSNP rs1212624660, ClinGen allele CA368126069.